The following is an entry in ClinVar:

NM_001171.6(ABCC6):c.1148C>A (p.Ser383Ter)

Gene: ABCC6 (ATP binding cassette subfamily C member 6; minus strand). Cytogenetic location: 16p13.11.
Variant type: single nucleotide variant.
Coding change: c.1148C>A on transcript NM_001171.6 (MANE Select); coding-DNA position 1148, C replaced by A.
Protein change: p.Ser383Ter; replaces serine 383 with a stop codon.
Molecular consequence: nonsense. On other transcripts: non-coding transcript variant (1).
Genome position (GRCh38, 1-based): chr16:16,202,029, G>T on the plus strand (C>A on the coding strand, the complement: ABCC6 is on the minus strand). VCF-style: chr16-16202029-G-T. GRCh37 (hg19) VCF-style: chr16-16295886-G-T.
Other names: c.806C>A, p.Ser269Ter (NM_001351800.1); short protein forms S269*, S383*.
Identifiers: ClinVar variation 1705443 (VCV001705443.1), dbSNP rs1277798362, ClinGen allele CA394890528.

ClinVar aggregate classification (germline): Likely pathogenic (1 of 4 stars; one submission).

Conditions:
Autosomal recessive inherited pseudoxanthoma elasticum (PXE). Identifiers: Orphanet 758, MedGen CN032334, MONDO:0009925, OMIM 264800.

Submission:

3billion
Classification: Likely pathogenic for Autosomal recessive inherited pseudoxanthoma elasticum. Last evaluated: 2022-09-01. Review status: criteria provided, single submitter. Criteria: ACMG Guidelines, 2015. Collection method: clinical testing. Allele origin: germline. Affected: yes. Observed: 1 heterozygote.
Comment: The variant is not observed in the gnomAD v2.1.1 dataset. Stop-gained (nonsense) is predicted to result in a loss or disruption of normal protein function through nonsense-mediated decay (NMD) or protein truncation. Multiple pathogenic variants are reported downstream of the variant. Therefore, this variant is classified as Likely pathogenic according to the recommendation of ACMG/AMP guideline.